The following is an entry in ClinVar:

NM_004958.4(MTOR):c.3630T>C (p.Asp1210=)

Gene: MTOR (mechanistic target of rapamycin kinase; minus strand). Cytogenetic location: 1p36.22.
Variant type: single nucleotide variant.
Coding change: c.3630T>C on transcript NM_004958.4 (MANE Select); coding-DNA position 3630, T replaced by C.
Protein change: p.Asp1210=; no amino-acid change (aspartic acid 1210 retained).
Molecular consequence: synonymous variant.
Genome position (GRCh38, 1-based): chr1:11,210,838, A>G on the plus strand (T>C on the coding strand, the complement: MTOR is on the minus strand). VCF-style: chr1-11210838-A-G. GRCh37 (hg19) VCF-style: chr1-11270895-A-G.
Identifiers: ClinVar variation 697627 (VCV000697627.39), dbSNP rs377751542, ClinGen allele CA590172.
Genomic context (GRCh38, chr1:11,210,838, plus strand): 5'-ACAGGGACTTCAGAACAGAAAAGAAGTATAGTTCACCTTGACAATTCTGCAGATGAGCAC[A>G]TCATAGCGCTGATGATTGATTCGGTGTCGCACCAGAACTTTATTCACCATTGGAATGAAA-3'
Protein context (NP_004949.1, residues 1200-1220): VRHRINHQRY[Asp1210=]VLICRIVKGY

ClinVar aggregate classification (germline): Benign/Likely benign. Review status: criteria provided, multiple submitters, no conflicts (2 of 4 stars). 7 submissions from 7 submitters: Benign (2); Likely benign (3). 2 of the submissions do not count toward it. Last evaluated 2026-01-12.

Allele frequency attached by ClinVar (database versions not stated): ESP Exome Variant Server 0.00008; TOPMed 0.00014; gnomAD exomes 0.00084; ExAC 0.00096; 1000 Genomes Project 30x 0.00109; 1000 Genomes Project 0.00120.

Submissions (7):

Labcorp Genetics (formerly Invitae), Labcorp
Classification: Benign. Last evaluated: 2026-01-12. Review status: criteria provided, single submitter. Criteria: Invitae Variant Classification Sherloc (09022015). Collection method: clinical testing. Allele origin: germline.

CeGaT Center for Human Genetics Tuebingen
Classification: Likely benign. Last evaluated: 2026-01-01. Review status: criteria provided, single submitter. Criteria: CeGaT Center For Human Genetics Tuebingen Variant Classification Criteria Version 2. Collection method: clinical testing. Allele origin: germline. Affected: yes. Observed: 14 variant alleles.
Comment: MTOR: BP4, BP7, BS1

Laboratory of Genetics, Children's Clinical University Hospital Latvia
Classification: Likely benign. Last evaluated: 2025-02-16. Review status: criteria provided, single submitter. Criteria: ACMG Guidelines, 2015. Collection method: clinical testing. Allele origin: germline. Affected: yes.

Blueprint Genetics
Classification: Likely benign. Last evaluated: 2024-11-11. Review status: criteria provided, single submitter. Criteria: ACMG Guidelines, 2015. Collection method: clinical testing. Allele origin: germline.

GeneDx
Classification: Benign. Last evaluated: 2020-05-29. Review status: criteria provided, single submitter. Criteria: GeneDx Variant Classification Process June 2021. Collection method: clinical testing. Allele origin: germline. Affected: yes.

Clinical Genetics, Academic Medical Center
Classification: Likely benign. Review status: no assertion criteria provided. Collection method: clinical testing. Allele origin: germline. Affected: yes. Study: VKGL Data-share Consensus. Not counted in ClinVar's aggregate classification.

Genome Diagnostics Laboratory, University Medical Center Utrecht
Classification: Likely benign. Review status: no assertion criteria provided. Collection method: clinical testing. Allele origin: germline. Affected: yes. Study: VKGL Data-share Consensus. Not counted in ClinVar's aggregate classification.